The following is an entry in ClinVar:

NM_022458.4(LMBR1):c.*2066G>C

Gene: LMBR1 (limb development membrane protein 1; minus strand). Cytogenetic location: 7q36.3.
Variant type: single nucleotide variant.
Coding change: c.*2066G>C on transcript NM_022458.4 (MANE Select); 2066 bases downstream of the stop codon, G replaced by C.
Molecular consequence: 3 prime UTR variant. On other transcripts: non-coding transcript variant (2).
Genome position (GRCh38, 1-based): chr7:156,682,012, C>G on the plus strand (G>C on the coding strand, the complement: LMBR1 is on the minus strand). VCF-style: chr7-156682012-C-G. GRCh37 (hg19) VCF-style: chr7-156474706-C-G.
Other names: c.*2066G>C (NM_001350953.2, NM_001350954.2, NM_001350955.2 and 8 more transcripts).
Identifiers: ClinVar variation 359388 (VCV000359388.5), dbSNP rs560208746, ClinGen allele CA10625548.
Genomic context (GRCh38, chr7:156,682,012, plus strand): 5'-ATGCTTGGGCATGTGCTCAGGAAGAGCCTCGAGGAACCGTGATTACGCAGCAGCCCAAGG[C>G]TGTAACAATCTATTTGTTCTCAAGGCATATGAGTCCCAGGTTCGAAGCCGTCCTTCCACC-3'

ClinVar aggregate classification (germline): Benign (1 of 4 stars; one submission).

Conditions:
Polydactyly of a triphalangeal thumb. Also called: POLYDACTYLY OF TRIPHALANGEAL THUMB; TRIPHALANGEAL THUMB-POLYDACTYLY SYNDROME; Polydactyly, preaxial type II. Identifiers: Orphanet 2439, Orphanet 2950, Orphanet 93336, MedGen C1868114, MONDO:0008270, OMIM 174500.

Allele frequency attached by ClinVar (database versions not stated): 1000 Genomes Project 30x 0.00047; gnomAD 0.00006; TOPMed 0.00018; 1000 Genomes Project 0.00060.
gnomAD v4.1: 23 of 152,360 alleles (0.015%); highest among the groups gnomAD compares: African/African-American, 0.053%; no homozygotes.

Submission:

Illumina Laboratory Services, Illumina
Classification: Benign for Polydactyly of a triphalangeal thumb. Last evaluated: 2018-01-12. Review status: criteria provided, single submitter. Criteria: ICSL Variant Classification Criteria 13 December 2019. Collection method: clinical testing. Allele origin: germline.
Comment: This variant was observed in the ICSL laboratory as part of a predisposition screen in an ostensibly healthy population. It had not been previously curated by ICSL or reported in the Human Gene Mutation Database (HGMD: prior to June 1st, 2018), and was therefore a candidate for classification through an automated scoring system. Utilizing variant allele frequency, disease prevalence and penetrance estimates, and inheritance mode, an automated score was calculated to assess if this variant is too frequent to cause the disease. Based on the score and internal cut-off values, a variant classified as benign is not then subjected to further curation. The score for this variant resulted in a classification of benign for this disease.